The following is an entry in ClinVar:

ClinVar aggregate classification (germline): Likely pathogenic (1 of 4 stars; one submission).

Submission:

GeneDx
Classification: Likely pathogenic. Last evaluated: 2026-10-19. Review status: criteria provided, single submitter. Criteria: GeneDx Variant Classification Process June 2021. Collection method: clinical testing. Allele origin: germline.
Comment: Nonsense variant predicted to result in protein truncation as the last 83 amino acid(s) are lost; Not observed at significant frequency in large population cohorts (gnomAD); Has not been previously published as pathogenic or benign to our knowledge

NM_001001331.4(ATP2B2):c.3481C>T (p.Arg1161Ter)

Gene: ATP2B2 (ATPase plasma membrane Ca2+ transporting 2; minus strand). Cytogenetic location: 3p25.3.
Variant type: single nucleotide variant.
Coding change: c.3481C>T on transcript NM_001001331.4 (MANE Select); coding-DNA position 3481, C replaced by T.
Protein change: p.Arg1161Ter; replaces arginine 1161 with a stop codon.
Molecular consequence: nonsense. On other transcripts: 3 prime UTR variant (2).
Genome position (GRCh38, 1-based): chr3:10,329,065, G>A on the plus strand (C>T on the coding strand, the complement: ATP2B2 is on the minus strand). VCF-style: chr3-10329065-G-A. GRCh37 (hg19) VCF-style: chr3-10370749-G-A.
Other names: c.*108C>T (NM_001330611.3); c.3346C>T, p.Arg1116Ter (NM_001353564.1, NM_001683.5); c.*35C>T (NM_001363862.1); short protein forms R1116*, R1161*.
Identifiers: ClinVar variation 3774923 (VCV003774923.2).
Genomic context (GRCh38, chr3:10,329,065, plus strand): 5'-GGGGCTGGGAATCTTCGATCCGGAATTCAGGATGAGCCATGAAGTTATGGATGGAGGTTC[G>A]AGATTCAGGCTTTTCTAAACCTTCATAGAGAGAGCTACGGAACGCCTTCACGACGCGGAT-3'